The following is an entry in ClinVar:

NM_020975.6(RET):c.179C>T (p.Pro60Leu)

Gene: RET (ret proto-oncogene; plus strand). Cytogenetic location: 10q11.21.
Variant type: single nucleotide variant.
Coding change: c.179C>T on transcript NM_020975.6 (MANE Select); coding-DNA position 179, C replaced by T.
Protein change: p.Pro60Leu; replaces proline 60 with leucine.
Molecular consequence: missense variant.
Genome position (GRCh38, 1-based): chr10:43,100,564, C>T. VCF-style: chr10-43100564-C-T. GRCh37 (hg19) VCF-style: chr10-43596012-C-T.
Other names: c.179C>T, p.Pro60Leu (NM_000323.2, NM_001406743.1, NM_001406744.1 and 34 more transcripts); short protein forms P60L.
Identifiers: ClinVar variation 1449642 (VCV001449642.13), dbSNP rs1405257965, ClinGen allele CA376770255.

ClinVar aggregate classification (germline): Uncertain significance. Review status: criteria provided, multiple submitters, no conflicts (2 of 4 stars). 4 submissions from 4 submitters: Uncertain significance (4). Last evaluated 2024-07-29.

Conditions:
Multiple endocrine neoplasia, type 2 (MEN2). Identifiers: Orphanet 653, MedGen C4048306, MONDO:0019003. Disease mechanism: gain of function.
Hereditary cancer-predisposing syndrome. Also called: Hereditary Cancer Syndrome; Hereditary neoplastic syndrome; Neoplastic Syndromes, Hereditary; Tumor predisposition. Identifiers: Orphanet 140162, MedGen C0027672, MeSH D009386, MONDO:0015356.

Allele frequency attached by ClinVar (database versions not stated): gnomAD exomes below 0.00001; TOPMed below 0.00001.
gnomAD v4.1: 1 of 1,613,918 alleles (0.000062%); highest among the groups gnomAD compares: Non-Finnish European, 0.000085%; no homozygotes.

Submissions (4):

All of Us Research Program, National Institutes of Health
Classification: Uncertain significance for Multiple endocrine neoplasia, type 2. Last evaluated: 2024-07-29. Review status: criteria provided, single submitter. Criteria: ACMG Guidelines, 2015. Collection method: clinical testing. Allele origin: germline. Inheritance: Autosomal dominant inheritance. Observed: 2 variant alleles, 2 heterozygotes.
Comment: This missense variant replaces proline with leucine at codon 60 of the RET protein. Computational prediction suggests that this variant may not impact protein structure and function (internally defined REVEL score threshold <= 0.5, PMID: 27666373). To our knowledge, functional studies have not been reported for this variant. This variant has not been reported in individuals affected with RET-related disorders in the literature. This variant has not been identified in the general population by the Genome Aggregation Database (gnomAD). The available evidence is insufficient to determine the role of this variant in disease conclusively. Therefore, this variant is classified as a Variant of Uncertain Significance.

This study involves interpretation of variants in research participants for the purpose of population health screening. Participant phenotype was not available at the time of variant classification. Additional details can be found in publication PMID: 35346344, PMCID: PMC8962531

Labcorp Genetics (formerly Invitae), Labcorp
Classification: Uncertain significance for Multiple endocrine neoplasia, type 2. Last evaluated: 2024-07-09. Review status: criteria provided, single submitter. Criteria: Invitae Variant Classification Sherloc (09022015). Collection method: clinical testing. Allele origin: germline.
Comment: This sequence change replaces proline, which is neutral and non-polar, with leucine, which is neutral and non-polar, at codon 60 of the RET protein (p.Pro60Leu). This variant is not present in population databases (gnomAD no frequency). This variant has not been reported in the literature in individuals affected with RET-related conditions. ClinVar contains an entry for this variant (Variation ID: 1449642). An algorithm developed to predict the effect of missense changes on protein structure and function (PolyPhen-2) suggests that this variant is likely to be tolerated. In summary, the available evidence is currently insufficient to determine the role of this variant in disease. Therefore, it has been classified as a Variant of Uncertain Significance.

Ambry Genetics
Classification: Uncertain significance for Hereditary cancer-predisposing syndrome. Last evaluated: 2024-05-31. Review status: criteria provided, single submitter. Criteria: Ambry Variant Classification Scheme 2023. Collection method: clinical testing. Allele origin: germline.
Comment: The p.P60L variant (also known as c.179C>T), located in coding exon 2 of the RET gene, results from a C to T substitution at nucleotide position 179. The proline at codon 60 is replaced by leucine, an amino acid with similar properties. This amino acid position is conserved. In addition, this alteration is predicted to be tolerated by in silico analysis. Since supporting evidence is limited at this time, the clinical significance of this alteration remains unclear.

GeneDx
Classification: Uncertain significance. Last evaluated: 2023-06-05. Review status: criteria provided, single submitter. Criteria: GeneDx Variant Classification Process June 2021. Collection method: clinical testing. Allele origin: germline. Affected: yes.
Comment: Not observed at significant frequency in large population cohorts (gnomAD); In silico analysis supports that this missense variant does not alter protein structure/function; Has not been previously published as pathogenic or benign to our knowledge; This variant is associated with the following publications: (PMID: 14633923)